The following is an entry in ClinVar:

NM_000038.6(APC):c.4723C>T (p.Leu1575=)

Gene: APC (APC regulator of Wnt signaling pathway; plus strand). Cytogenetic location: 5q22.2.
Variant type: single nucleotide variant.
Coding change: c.4723C>T on transcript NM_000038.6 (MANE Select); coding-DNA position 4723, C replaced by T.
Protein change: p.Leu1575=; no amino-acid change (leucine 1575 retained).
Molecular consequence: synonymous variant.
Genome position (GRCh38, 1-based): chr5:112,840,317, C>T. VCF-style: chr5-112840317-C-T. GRCh37 (hg19) VCF-style: chr5-112176014-C-T.
Other names: c.4723C>T, p.Leu1575= (NM_001127510.3, NM_001354895.2); c.4669C>T, p.Leu1557= (NM_001127511.3); c.4753C>T, p.Leu1585= (NM_001354897.2); c.4648C>T, p.Leu1550= (NM_001354898.2); c.4777C>T, p.Leu1593= (NM_001354896.2); c.4639C>T, p.Leu1547= (NM_001354899.2); c.4600C>T, p.Leu1534= (NM_001354900.2); c.4546C>T, p.Leu1516= (NM_001354901.2); and 5 more.
Identifiers: ClinVar variation 389553 (VCV000389553.6), dbSNP rs1057523466, ClinGen allele CA16604781.

ClinVar aggregate classification (germline): Benign/Likely benign. Review status: criteria provided, multiple submitters, no conflicts (2 of 4 stars). 3 submissions from 3 submitters: Benign (1); Likely benign (2). Last evaluated 2024-03-27.

Conditions:
Familial adenomatous polyposis 1 (FAP1). Also called: FAMILIAL ADENOMATOUS POLYPOSIS 1, ATTENUATED; POLYPOSIS, ADENOMATOUS INTESTINAL. Identifiers: MedGen C2713442, MONDO:0021056, OMIM 175100. Disease mechanism: loss of function.

Submissions (3):

Myriad Genetics, Inc.
Classification: Benign for Familial adenomatous polyposis 1. Last evaluated: 2024-03-27. Review status: criteria provided, single submitter. Criteria: Myriad Autosomal Dominant, Autosomal Recessive and X-Linked Classification Criteria (2023). Collection method: clinical testing. Allele origin: unknown.
Comment: This variant is considered benign. This variant is a silent/synonymous amino acid change and it is not expected to impact splicing.

Labcorp Genetics (formerly Invitae), Labcorp
Classification: Likely benign for Familial adenomatous polyposis 1. Last evaluated: 2022-08-08. Review status: criteria provided, single submitter. Criteria: Invitae Variant Classification Sherloc (09022015). Collection method: clinical testing. Allele origin: germline.

GeneDx
Classification: Likely benign. Last evaluated: 2016-09-23. Review status: criteria provided, single submitter. Criteria: GeneDx Variant Classification (06012015). Collection method: clinical testing. Allele origin: germline. Affected: yes.
Comment: This variant is considered likely benign or benign based on one or more of the following criteria: it is a conservative change, it occurs at a poorly conserved position in the protein, it is predicted to be benign by multiple in silico algorithms, and/or has population frequency not consistent with disease.